The following is an entry in ClinVar:

NM_003072.5(SMARCA4):c.894C>A (p.Thr298=)

Gene: SMARCA4 (SWI/SNF related BAF chromatin remodeling complex subunit ATPase 4; plus strand). Cytogenetic location: 19p13.2.
Variant type: single nucleotide variant.
Coding change: c.894C>A on transcript NM_003072.5 (MANE Select); coding-DNA position 894, C replaced by A.
Protein change: p.Thr298=; no amino-acid change (threonine 298 retained).
Molecular consequence: synonymous variant. On other transcripts: non-coding transcript variant (1).
Genome position (GRCh38, 1-based): chr19:10,987,700, C>A. VCF-style: chr19-10987700-C-A. GRCh37 (hg19) VCF-style: chr19-11098376-C-A.
Other names: c.894C>A, p.Thr298= (NM_001128844.3, NM_001128845.2, NM_001128846.2 and 6 more transcripts).
Identifiers: ClinVar variation 4083819 (VCV004083819.8).

ClinVar aggregate classification (germline): Likely benign (1 of 4 stars; one submission).

Submission:

CeGaT Center for Human Genetics Tuebingen
Classification: Likely benign. Last evaluated: 2025-08-01. Review status: criteria provided, single submitter. Criteria: CeGaT Center For Human Genetics Tuebingen Variant Classification Criteria Version 2. Collection method: clinical testing. Allele origin: germline. Affected: yes. Observed: 1 variant allele.
Comment: SMARCA4: PM2:Supporting, BP4, BP7